The following is an entry in ClinVar:

NM_000548.5(TSC2):c.848+283A>C

Gene: TSC2 (TSC complex subunit 2; plus strand). Cytogenetic location: 16p13.3.
Variant type: single nucleotide variant.
Coding change: c.848+283A>C on transcript NM_000548.5 (MANE Select); 283 bases into the intron after coding-DNA position 848, A replaced by C.
Molecular consequence: intron variant.
Genome position (GRCh38, 1-based): chr16:2,057,461, A>C. VCF-style: chr16-2057461-A-C. GRCh37 (hg19) VCF-style: chr16-2107462-A-C.
Other names: c.-584+283A>C (NM_001406693.1, NM_001406689.1, NM_001406690.1 and 4 more transcripts); c.938+283A>C (NM_001406667.1, NM_001406668.1); c.248+283A>C (NM_001406680.1, NM_001406683.1, NM_001406687.1 and 6 more transcripts); c.-760+283A>C (NM_001406698.1); c.848+283A>C (NM_001114382.3, NM_001406663.1, NM_001406664.1 and 6 more transcripts); c.-465+283A>C (NM_001406694.1, NM_001406695.1); c.836+283A>C (NM_001406671.1, NM_001406673.1); c.386+283A>C (NM_001406681.1); and 4 more.
Identifiers: ClinVar variation 4983497 (VCV004983497.1).
Genomic context (GRCh38, chr16:2,057,461, plus strand): 5'-TGCCCCATGCTCGGACGTCCTCCAGCGGTGCTCCCCAACTACTTAGCCTGTTACAAGGCG[A>C]GGCTCGGGGTCTTGGCTTGACGTTGCCCTTGCCCTCACCCCCACAGCCAGGCTGTGGCCA-3'

ClinVar aggregate classification (germline): Likely benign (1 of 4 stars; one submission).

Conditions:
TSC2-related disorder. Also called: TSC2-Related Disorders; TSC2-related condition.

gnomAD v4.1: 5 of 152,112 alleles (0.0033%); highest among the groups gnomAD compares: Non-Finnish European, 0.0059%; no homozygotes.

Submission:

PreventionGenetics, part of Exact Sciences
Classification: Likely benign for TSC2-related condition. Last evaluated: 2024-10-03. Review status: criteria provided, single submitter. Criteria: ACMG Guidelines, 2015. Collection method: clinical testing. Allele origin: germline.
Comment: This variant is classified as likely benign based on ACMG/AMP sequence variant interpretation guidelines (Richards et al. 2015 PMID: 25741868, with internal and published modifications).